The following is an entry in ClinVar:

NM_017654.4(SAMD9):c.1283dup (p.Leu428fs)

Gene: SAMD9 (sterile alpha motif domain containing 9; minus strand). Cytogenetic location: 7q21.2.
Variant type: Duplication.
Coding change: c.1283dup on transcript NM_017654.4 (MANE Select); coding-DNA position 1283, one base duplicated (T; older notation c.1283dupT).
Protein change: p.Leu428fs; shifts the reading frame from leucine 428.
Molecular consequence: frameshift variant.
Genome position (GRCh38, 1-based): chr7:93,104,815, A duplicated on the plus strand (T on the coding strand, the reverse complement: SAMD9 is on the minus strand); the first of 2 consecutive A bases (chr7:93,104,815-93,104,816); duplicating either gives the same sequence. VCF-style (leftmost placement, unchanged base first): chr7-93104814-T-TA. GRCh37 (hg19) VCF-style: chr7-92734127-T-TA.
Other names: c.1283dup, p.Leu428fs (NM_001193307.2); short protein forms L428fs.
Identifiers: ClinVar variation 4703900 (VCV004703900.1).

ClinVar aggregate classification (germline): Uncertain significance (1 of 4 stars; one submission).

Submission:

Labcorp Genetics (formerly Invitae), Labcorp
Classification: Uncertain significance. Last evaluated: 2025-08-12. Review status: criteria provided, single submitter. Criteria: Invitae Variant Classification Sherloc (09022015). Collection method: clinical testing. Allele origin: germline.
Comment: This sequence change creates a premature translational stop signal (p.Leu428Phefs*8) in the SAMD9 gene. While this is not anticipated to result in nonsense mediated decay, it is expected to disrupt the last 1162 amino acid(s) of the SAMD9 protein. This variant is present in population databases (rs771762417, gnomAD 0.003%). This variant has not been reported in the literature in individuals affected with SAMD9-related conditions. Experimental studies and prediction algorithms are not available or were not evaluated, and the functional significance of this variant is currently unknown. In summary, the available evidence is currently insufficient to determine the role of this variant in disease. Therefore, it has been classified as a Variant of Uncertain Significance.